The following is an entry in ClinVar:

NM_001083926.2(ASRGL1):c.550A>T (p.Thr184Ser)

Gene: ASRGL1 (asparaginase and isoaspartyl peptidase 1; plus strand). Cytogenetic location: 11q12.3.
Variant type: single nucleotide variant.
Coding change: c.550A>T on transcript NM_001083926.2 (MANE Select); coding-DNA position 550, A replaced by T.
Protein change: p.Thr184Ser; replaces threonine 184 with serine.
Molecular consequence: missense variant.
Genome position (GRCh38, 1-based): chr11:62,389,191, A>T. VCF-style: chr11-62389191-A-T. GRCh37 (hg19) VCF-style: chr11-62156663-A-T.
Other names: c.550A>T, p.Thr184Ser (NM_025080.4); short protein forms T184S.
Identifiers: ClinVar variation 1037527 (VCV001037527.8), dbSNP rs1460914206, ClinGen allele CA380870373.

ClinVar aggregate classification (germline): Uncertain significance (1 of 4 stars; one submission).

Submission:

Labcorp Genetics (formerly Invitae), Labcorp
Classification: Uncertain significance. Last evaluated: 2022-02-05. Review status: criteria provided, single submitter. Criteria: Invitae Variant Classification Sherloc (09022015). Collection method: clinical testing. Allele origin: germline.
Comment: In summary, the available evidence is currently insufficient to determine the role of this variant in disease. Therefore, it has been classified as a Variant of Uncertain Significance. Algorithms developed to predict the effect of missense changes on protein structure and function (SIFT, PolyPhen-2, Align-GVGD) all suggest that this variant is likely to be disruptive. ClinVar contains an entry for this variant (Variation ID: 1037527). This variant has not been reported in the literature in individuals affected with ASRGL1-related conditions. This variant is not present in population databases (gnomAD no frequency). This sequence change replaces threonine, which is neutral and polar, with serine, which is neutral and polar, at codon 184 of the ASRGL1 protein (p.Thr184Ser).